The following is an entry in ClinVar:

NM_006785.4(MALT1):c.571C>T (p.Arg191Ter)

Gene: MALT1 (MALT1 paracaspase; plus strand). Cytogenetic location: 18q21.32.
Variant type: single nucleotide variant.
Coding change: c.571C>T on transcript NM_006785.4 (MANE Select); coding-DNA position 571, C replaced by T.
Protein change: p.Arg191Ter; replaces arginine 191 with a stop codon.
Molecular consequence: nonsense.
Genome position (GRCh38, 1-based): chr18:58,700,513, C>T. VCF-style: chr18-58700513-C-T. GRCh37 (hg19) VCF-style: chr18-56367745-C-T.
Other names: c.571C>T, p.Arg191Ter (LRG_1221t1, NM_173844.3); short protein forms R191*.
Identifiers: ClinVar variation 636343 (VCV000636343.8), dbSNP rs1266114717, ClinGen allele CA402572862.

ClinVar aggregate classification (germline): Pathogenic. Review status: criteria provided, multiple submitters, no conflicts (2 of 4 stars). 2 submissions from 2 submitters: Pathogenic (2). Last evaluated 2025-04-15.

Conditions:
Combined immunodeficiency due to MALT1 deficiency. Also called: Immunodeficiency 12. Identifiers: Orphanet 397964, MedGen C3809583, MONDO:0014197, OMIM 615468.

Allele frequency attached by ClinVar (database versions not stated): TOPMed below 0.00001; gnomAD 0.00001; gnomAD exomes below 0.00001.
gnomAD v4.1: 4 of 1,612,868 alleles (0.00025%); highest among the groups gnomAD compares: African/African-American, 0.0013%; no homozygotes.

Submissions (2):

Next Generation Genetic Polyclinic
Classification: Pathogenic for Combined immunodeficiency due to MALT1 deficiency. Last evaluated: 2025-04-15. Review status: criteria provided, single submitter. Criteria: ACMG Guidelines, 2015. Collection method: curation. Allele origin: germline. Affected: yes. Observed: 1 variant allele.
Comment: A pathogenic variant in the MALT1 gene (c.571C>T) was identified by curation in the homozygous state. This variant is absent from population databases and has established deleterious effects, supporting its classification as Pathogenic.

Labcorp Genetics (formerly Invitae), Labcorp
Classification: Pathogenic for Combined immunodeficiency due to MALT1 deficiency. Last evaluated: 2018-09-13. Review status: criteria provided, single submitter. Criteria: Invitae Variant Classification Sherloc (09022015). Collection method: clinical testing. Allele origin: germline.
Comment: For these reasons, this variant has been classified as Pathogenic. Loss-of-function variants in MALT1 are known to be pathogenic (PMID: 23727036, 25627829). This variant has not been reported in the literature in individuals with MALT1-related disease. This variant is not present in population databases (ExAC no frequency). This sequence change creates a premature translational stop signal (p.Arg191*) in the MALT1 gene. It is expected to result in an absent or disrupted protein product.

Literature cited by the submitters: PubMed 25627829 (cited by Next Generation Genetic Polyclinic and Labcorp Genetics (formerly Invitae), Labcorp); PubMed 23727036 (cited by Next Generation Genetic Polyclinic and Labcorp Genetics (formerly Invitae), Labcorp).